The following is an entry in ClinVar:

NM_004369.4(COL6A3):c.8798C>T (p.Pro2933Leu)

Gene: COL6A3 (collagen type VI alpha 3 chain; minus strand). Cytogenetic location: 2q37.3.
Variant type: single nucleotide variant.
Coding change: c.8798C>T on transcript NM_004369.4 (MANE Select); coding-DNA position 8798, C replaced by T.
Protein change: p.Pro2933Leu; replaces proline 2933 with leucine.
Molecular consequence: missense variant.
Genome position (GRCh38, 1-based): chr2:237,336,302, G>A on the plus strand (C>T on the coding strand, the complement: COL6A3 is on the minus strand). VCF-style: chr2-237336302-G-A. GRCh37 (hg19) VCF-style: chr2-238244945-G-A.
Other names: c.6977C>T, p.Pro2326Leu (NM_057166.5); c.8180C>T, p.Pro2727Leu (NM_057167.4); short protein forms P2326L, P2727L, P2933L.
Identifiers: ClinVar variation 1303012 (VCV001303012.4), dbSNP rs373550111, ClinGen allele CA2187445.

ClinVar aggregate classification (germline): Conflicting classifications of pathogenicity. Review status: criteria provided, conflicting classifications (1 of 4 stars). 2 submissions from 2 submitters: Uncertain significance (1); Likely benign (1). Last evaluated 2025-01-08.

Conditions:
Bethlem myopathy 1A. Also called: Bethlem myopathy 1; MYOPATHY, BENIGN CONGENITAL, WITH CONTRACTURES; Bethlem Muscular Dystrophy. Identifiers: Orphanet 610, MedGen CN029274, MONDO:0024530, OMIM 158810.

Allele frequency attached by ClinVar (database versions not stated): gnomAD 0.00001; gnomAD exomes 0.00001; ExAC 0.00002; ESP Exome Variant Server 0.00008; 1000 Genomes Project 0.00020; 1000 Genomes Project 30x 0.00031.
gnomAD v4.1: 14 of 1,613,280 alleles (0.00087%); highest among the groups gnomAD compares: African/African-American, 0.013%; no homozygotes.

Submissions (2):

Labcorp Genetics (formerly Invitae), Labcorp
Classification: Likely benign for Bethlem myopathy 1A. Last evaluated: 2025-01-08. Review status: criteria provided, single submitter. Criteria: Invitae Variant Classification Sherloc (09022015). Collection method: clinical testing. Allele origin: germline.

GeneDx
Classification: Uncertain significance. Last evaluated: 2021-04-08. Review status: criteria provided, single submitter. Criteria: GeneDx Variant Classification Process June 2021. Collection method: clinical testing. Allele origin: germline. Affected: yes.
Comment: In silico analysis supports that this missense variant does not alter protein structure/function; Has not been previously published as pathogenic or benign to our knowledge